The following is an entry in ClinVar:

NM_174916.3(UBR1):c.4970C>T (p.Ala1657Val)

Gene: UBR1 (ubiquitin protein ligase E3 component n-recognin 1; minus strand). Cytogenetic location: 15q15.2.
Variant type: single nucleotide variant.
Coding change: c.4970C>T on transcript NM_174916.3 (MANE Select); coding-DNA position 4970, C replaced by T.
Protein change: p.Ala1657Val; replaces alanine 1657 with valine.
Molecular consequence: missense variant.
Genome position (GRCh38, 1-based): chr15:42,952,314, G>A on the plus strand (C>T on the coding strand, the complement: UBR1 is on the minus strand). VCF-style: chr15-42952314-G-A. GRCh37 (hg19) VCF-style: chr15-43244512-G-A.
Other names: c.4970C>T (NM_174916.2); short protein forms A1657V.
Identifiers: ClinVar variation 1914154 (VCV001914154.3), dbSNP rs766965497, ClinGen allele CA7517721.

ClinVar aggregate classification (germline): Uncertain significance. Review status: criteria provided, multiple submitters, no conflicts (2 of 4 stars). 2 submissions from 2 submitters: Uncertain significance (2). Last evaluated 2025-07-12.

Conditions:
Inborn genetic diseases. Identifiers: MedGen C0950123, MeSH D030342.

Allele frequency attached by ClinVar (database versions not stated): gnomAD exomes below 0.00001; TOPMed below 0.00001; ExAC 0.00001; gnomAD 0.00001.
gnomAD v4.1: 3 of 1,614,054 alleles (0.00019%); highest among the groups gnomAD compares: African/African-American, 0.0027%; no homozygotes.

Submissions (2):

Ambry Genetics
Classification: Uncertain significance for Inborn genetic diseases. Last evaluated: 2025-07-12. Review status: criteria provided, single submitter. Criteria: Ambry Variant Classification Scheme 2023. Collection method: clinical testing. Allele origin: germline.

Labcorp Genetics (formerly Invitae), Labcorp
Classification: Uncertain significance. Last evaluated: 2022-07-12. Review status: criteria provided, single submitter. Criteria: Invitae Variant Classification Sherloc (09022015). Collection method: clinical testing. Allele origin: germline.
Comment: This sequence change replaces alanine, which is neutral and non-polar, with valine, which is neutral and non-polar, at codon 1657 of the UBR1 protein (p.Ala1657Val). This variant is present in population databases (rs766965497, gnomAD 0.005%). This variant has not been reported in the literature in individuals affected with UBR1-related conditions. Algorithms developed to predict the effect of missense changes on protein structure and function (SIFT, PolyPhen-2, Align-GVGD) all suggest that this variant is likely to be disruptive. Algorithms developed to predict the effect of sequence changes on RNA splicing suggest that this variant may create or strengthen a splice site. In summary, the available evidence is currently insufficient to determine the role of this variant in disease. Therefore, it has been classified as a Variant of Uncertain Significance.